The following is an entry in ClinVar:

NM_201384.3(PLEC):c.1668C>T (p.Gly556=)

Gene: PLEC (plectin; minus strand). Cytogenetic location: 8q24.3.
Variant type: single nucleotide variant.
Coding change: c.1668C>T on transcript NM_201384.3 (MANE Select); coding-DNA position 1668, C replaced by T.
Protein change: p.Gly556=; no amino-acid change (glycine 556 retained).
Molecular consequence: synonymous variant.
Genome position (GRCh38, 1-based): chr8:143,932,862, G>A on the plus strand (C>T on the coding strand, the complement: PLEC is on the minus strand). VCF-style: chr8-143932862-G-A. GRCh37 (hg19) VCF-style: chr8-145007030-G-A.
Other names: c.1749C>T, p.Gly583= (NM_000445.5); c.1626C>T, p.Gly542= (NM_201378.4); c.1602C>T, p.Gly534= (NM_201379.3); c.2079C>T, p.Gly693= (NM_201380.4); c.1572C>T, p.Gly524= (NM_201381.3); c.1668C>T, p.Gly556= (NM_201382.4); c.1680C>T, p.Gly560= (NM_201383.3).
Identifiers: ClinVar variation 502144 (VCV000502144.39), dbSNP rs369796183, ClinGen allele CA4927901.
Genomic context (GRCh38, chr8:143,932,862, plus strand): 5'-CCGTGCCCGCTCGATCTTGGCCCGGAATTCTTCGATGGACTGGTGCAGGCCTCGGTGGCT[G>A]CCCAGCTGCGCCTCCACGCTGGGCAGGTCCACACCCCACTCAGCGCCATCCACACGGTGC-3'
Protein context (NP_958786.1, residues 546-566): VDLPSVEAQL[Gly556=]SHRGLHQSIE

ClinVar aggregate classification (germline): Conflicting classifications of pathogenicity. Review status: criteria provided, conflicting classifications (1 of 4 stars). 5 submissions from 5 submitters: Uncertain significance (1); Likely benign (4). Last evaluated 2026-04-02.

Conditions:
Epidermolysis bullosa simplex 5C, with pyloric atresia (EBS5C). Also called: PLEC-Related Epidermolysis Bullosa with Pyloric Atresia; Epidermolysis bullosa simplex with pyloric atresia; PLEC1-Related Epidermolysis Bullosa with Pyloric Atresia. Identifiers: Orphanet 158684, MedGen C2677349, MONDO:0012807, OMIM 612138.
Epidermolysis bullosa simplex 5B, with muscular dystrophy (EBS5B). Also called: EPIDERMOLYSIS BULLOSA SIMPLEX AND LIMB-GIRDLE MUSCULAR DYSTROPHY; Epidermolysis bullosa simplex with muscular dystrophy. Identifiers: Orphanet 257, MedGen C2931072, MONDO:0009181, OMIM 226670.
Autosomal recessive limb-girdle muscular dystrophy type 2Q (LGMDR17). Also called: MUSCULAR DYSTROPHY, LIMB-GIRDLE, AUTOSOMAL RECESSIVE 17. Identifiers: Orphanet 254361, MedGen C3150989, MONDO:0013390, OMIM 613723.
Epidermolysis bullosa simplex with nail dystrophy (EBS5D). Identifiers: MedGen C4225309, MONDO:0014661, OMIM 616487.
Epidermolysis bullosa simplex, Ogna type (EBS5A). Also called: Pidermolysis bullosa simplex 5A, Ogna type; EPIDERMOLYSIS BULLOSA SIMPLEX 5A, OGNA TYPE. Identifiers: Orphanet 79401, MedGen C0432317, MONDO:0007555, OMIM 131950.
PLEC-related disorder. Also called: PLEC-related disorders; PLEC-related condition.

Allele frequency attached by ClinVar (database versions not stated): ExAC 0.00012; TOPMed 0.00004; gnomAD 0.00006 and 0.00007; gnomAD exomes 0.00007 and 0.00011; ESP Exome Variant Server 0.00008.
gnomAD v4.1: 160 of 1,612,122 alleles (0.0099%); highest among the groups gnomAD compares: Non-Finnish European, 0.013%; no homozygotes.

Submissions (5):

PreventionGenetics, part of Exact Sciences
Classification: Likely benign for PLEC-related condition. Last evaluated: 2026-04-02. Review status: criteria provided, single submitter. Criteria: ACMG Guidelines, 2015. Collection method: clinical testing. Allele origin: germline.
Comment: This variant is classified as likely benign based on ACMG/AMP sequence variant interpretation guidelines (Richards et al. 2015 PMID: 25741868, with internal and published modifications).

Labcorp Genetics (formerly Invitae), Labcorp
Classification: Likely benign for Autosomal recessive limb-girdle muscular dystrophy type 2Q; Epidermolysis bullosa simplex, Ogna type; Epidermolysis bullosa simplex with nail dystrophy; Epidermolysis bullosa simplex 5C, with pyloric atresia; Epidermolysis bullosa simplex 5B, with muscular dystrophy. Last evaluated: 2025-04-17. Review status: criteria provided, single submitter. Criteria: Invitae Variant Classification Sherloc (09022015). Collection method: clinical testing. Allele origin: germline.

Blueprint Genetics
Classification: Likely benign. Last evaluated: 2024-07-10. Review status: criteria provided, single submitter. Criteria: ACMG Guidelines, 2015. Collection method: clinical testing. Allele origin: germline.

CeGaT Center for Human Genetics Tuebingen
Classification: Likely benign. Last evaluated: 2022-11-01. Review status: criteria provided, single submitter. Criteria: CeGaT Center For Human Genetics Tuebingen Variant Classification Criteria Version 2. Collection method: clinical testing. Allele origin: germline. Affected: yes. Observed: 2 variant alleles.
Comment: PLEC: BP4, BP7

Eurofins Ntd Llc (ga)
Classification: Uncertain significance. Last evaluated: 2017-05-23. Review status: criteria provided, single submitter. Criteria: EGL Classification Definitions 2015. Collection method: clinical testing. Allele origin: germline. Observed: 1 variant allele, 1 heterozygote.